The following is an entry in ClinVar:

NM_000535.7(PMS2):c.2207A>G (p.Glu736Gly)

Gene: PMS2 (PMS1 homolog 2, mismatch repair system component; minus strand). Cytogenetic location: 7p22.1.
Variant type: single nucleotide variant.
Coding change: c.2207A>G on transcript NM_000535.7 (MANE Select); coding-DNA position 2207, A replaced by G.
Protein change: p.Glu736Gly; replaces glutamic acid 736 with glycine.
Molecular consequence: missense variant. On other transcripts: non-coding transcript variant (1).
Genome position (GRCh38, 1-based): chr7:5,978,664, T>C on the plus strand (A>G on the coding strand, the complement: PMS2 is on the minus strand). VCF-style: chr7-5978664-T-C. GRCh37 (hg19) VCF-style: chr7-6018295-T-C.
Other names: c.1802A>G, p.Glu601Gly (NM_001018040.1, NM_001322003.2, NM_001322004.2 and 15 more transcripts); c.2051A>G, p.Glu684Gly (NM_001322006.2, NM_001406870.1); c.1889A>G, p.Glu630Gly (NM_001322007.2, NM_001322008.2, NM_001406876.1 and 1 more transcripts); c.1646A>G, p.Glu549Gly (NM_001322010.2, NM_001406906.1, NM_001406907.1); c.1274A>G, p.Glu425Gly (NM_001322011.2, NM_001322012.2); c.1634A>G, p.Glu545Gly (NM_001322013.2, NM_001406908.1, NM_001406909.1); c.2207A>G, p.Glu736Gly (NM_001322014.2); c.1898A>G, p.Glu633Gly (NM_001322015.2, NM_001406875.1, NM_001406877.1 and 5 more transcripts); and 14 more; short protein forms E425G, E549G, E601G, E624G, E670G, E700G, E581G, E614G.
Identifiers: ClinVar variation 1787698 (VCV001787698.2), dbSNP rs1060503115, ClinGen allele CA366736813.

ClinVar aggregate classification (germline): Uncertain significance (1 of 4 stars; one submission).

Conditions:
Hereditary cancer-predisposing syndrome. Also called: Neoplastic Syndromes, Hereditary; Tumor predisposition; Hereditary Cancer Syndrome; Hereditary neoplastic syndrome. Identifiers: Orphanet 140162, MedGen C0027672, MeSH D009386, MONDO:0015356.

Submission:

Ambry Genetics
Classification: Uncertain significance for Hereditary cancer-predisposing syndrome. Last evaluated: 2022-05-13. Review status: criteria provided, single submitter. Criteria: Ambry Variant Classification Scheme 2023. Collection method: clinical testing. Allele origin: germline.
Comment: The p.E736G variant (also known as c.2207A>G), located in coding exon 13 of the PMS2 gene, results from an A to G substitution at nucleotide position 2207. The glutamic acid at codon 736 is replaced by glycine, an amino acid with similar properties. This amino acid position is highly conserved in available vertebrate species. In addition, this alteration is predicted to be deleterious by in silico analysis. Since supporting evidence is limited at this time, the clinical significance of this alteration remains unclear.